The following is an entry in ClinVar:

ClinVar aggregate classification (germline): Likely benign (1 of 4 stars; one submission).

gnomAD v4.1: 8 of 1,613,094 alleles (0.0005%); highest among the groups gnomAD compares: African/African-American, 0.0027%; no homozygotes.

Submission:

CeGaT Center for Human Genetics Tuebingen
Classification: Likely benign. Last evaluated: 2024-12-01. Review status: criteria provided, single submitter. Criteria: CeGaT Center For Human Genetics Tuebingen Variant Classification Criteria Version 2. Collection method: clinical testing. Allele origin: germline. Affected: yes. Observed: 1 variant allele.
Comment: VARS1: BP4, BP7

NM_006295.3(VARS1):c.489G>A (p.Ala163=)

Genes: VARS1 (valyl-tRNA synthetase 1; minus strand), LOC126859651 (CDK7 strongly-dependent group 2 enhancer GRCh37_chr6:31759783-31760982; plus strand). Cytogenetic location: 6p21.33.
Variant type: single nucleotide variant.
Coding change: c.489G>A on transcript NM_006295.3 (MANE Select); coding-DNA position 489, G replaced by A.
Protein change: p.Ala163=; no amino-acid change (alanine 163 retained).
Molecular consequence: synonymous variant.
Genome position (GRCh38, 1-based): chr6:31,793,019, C>T on the plus strand (G>A on the coding strand, the complement: VARS1 is on the minus strand). VCF-style: chr6-31793019-C-T. GRCh37 (hg19) VCF-style: chr6-31760796-C-T.
Identifiers: ClinVar variation 3771678 (VCV003771678.13).